The following is an entry in ClinVar:

NM_001005273.3(CHD3):c.2239C>G (p.Leu747Val)

Gene: CHD3 (chromodomain helicase DNA binding protein 3; plus strand). Cytogenetic location: 17p13.1.
Variant type: single nucleotide variant.
Coding change: c.2239C>G on transcript NM_001005273.3 (MANE Select); coding-DNA position 2239, C replaced by G.
Protein change: p.Leu747Val; replaces leucine 747 with valine.
Molecular consequence: missense variant.
Genome position (GRCh38, 1-based): chr17:7,899,098, C>G. VCF-style: chr17-7899098-C-G. GRCh37 (hg19) VCF-style: chr17-7802416-C-G.
Other names: c.2416C>G, p.Leu806Val (NM_001005271.3); c.2239C>G, p.Leu747Val (NM_005852.4); short protein forms L747V, L806V.
Identifiers: ClinVar variation 1066299 (VCV001066299.9), dbSNP rs2151561113, ClinGen allele CA397936806.

ClinVar aggregate classification (germline): Likely pathogenic (1 of 4 stars; one submission).

Submission:

Labcorp Genetics (formerly Invitae), Labcorp
Classification: Likely pathogenic. Last evaluated: 2020-04-01. Review status: criteria provided, single submitter. Criteria: Invitae Variant Classification Sherloc (09022015). Collection method: clinical testing. Allele origin: germline.
Comment: In summary, the currently available evidence indicates that the variant is pathogenic, but additional data are needed to prove that conclusively. Therefore, this variant has been classified as Likely Pathogenic. Algorithms developed to predict the effect of sequence changes on RNA splicing suggest that this variant may create or strengthen a splice site, but this prediction has not been confirmed by published transcriptional studies. Algorithms developed to predict the effect of missense changes on protein structure and function (SIFT, PolyPhen-2, Align-GVGD) all suggest that this variant is likely to be disruptive, but these predictions have not been confirmed by published functional studies and their clinical significance is uncertain. This variant has been observed in individual(s) with clinical features of Snijders Blok-Campeau syndrome (Invitae). In at least one individual the variant was observed to be de novo. This variant is not present in population databases (ExAC no frequency). This sequence change replaces leucine with valine at codon 806 of the CHD3 protein (p.Leu806Val). The leucine residue is highly conserved and there is a small physicochemical difference between leucine and valine.